The following is an entry in ClinVar:

ClinVar aggregate classification (germline): Uncertain significance (1 of 4 stars; one submission).

Allele frequency attached by ClinVar (database versions not stated): TOPMed 0.00055; gnomAD exomes 0.00056; 1000 Genomes Project 0.00060; ExAC 0.00064; gnomAD 0.00071 and 0.00076; ESP Exome Variant Server 0.00092; 1000 Genomes Project 30x 0.00094.
gnomAD v4.1: 1,273 of 1,614,020 alleles (0.079%); highest among the groups gnomAD compares: South Asian, 0.1%; 3 homozygotes.

Submission:

Labcorp Genetics (formerly Invitae), Labcorp
Classification: Uncertain significance. Last evaluated: 2025-07-08. Review status: criteria provided, single submitter. Criteria: Invitae Variant Classification Sherloc (09022015). Collection method: clinical testing. Allele origin: germline.
Comment: This sequence change replaces phenylalanine, which is neutral and non-polar, with leucine, which is neutral and non-polar, at codon 186 of the IGSF10 protein (p.Phe186Leu). This variant is present in population databases (rs143721392, gnomAD 0.1%), and has an allele count higher than expected for a pathogenic variant. This variant has not been reported in the literature in individuals affected with IGSF10-related conditions. ClinVar contains an entry for this variant (Variation ID: 1507692). An algorithm developed to predict the effect of missense changes on protein structure and function (PolyPhen-2) suggests that this variant is likely to be disruptive. In summary, the available evidence is currently insufficient to determine the role of this variant in disease. Therefore, it has been classified as a Variant of Uncertain Significance.

NM_178822.5(IGSF10):c.558C>A (p.Phe186Leu)

Gene: IGSF10 (immunoglobulin superfamily member 10; minus strand). Cytogenetic location: 3q25.1.
Variant type: single nucleotide variant.
Coding change: c.558C>A on transcript NM_178822.5 (MANE Select); coding-DNA position 558, C replaced by A.
Protein change: p.Phe186Leu; replaces phenylalanine 186 with leucine.
Molecular consequence: missense variant.
Genome position (GRCh38, 1-based): chr3:151,453,541, G>T on the plus strand (C>A on the coding strand, the complement: IGSF10 is on the minus strand). VCF-style: chr3-151453541-G-T. GRCh37 (hg19) VCF-style: chr3-151171329-G-T.
Other names: c.558C>A, p.Phe186Leu (NM_001385060.1, NM_001385061.1, NM_001385062.1 and 1 more transcripts); short protein forms F186L.
Identifiers: ClinVar variation 1507692 (VCV001507692.6), dbSNP rs143721392, ClinGen allele CA2670736.